The following is an entry in ClinVar:

ClinVar aggregate classification (germline): Conflicting classifications of pathogenicity. Review status: criteria provided, conflicting classifications (1 of 4 stars). 3 submissions from 3 submitters: Likely pathogenic (1); Uncertain significance (2). Last evaluated 2024-04-29.

Conditions:
Autosomal recessive limb-girdle muscular dystrophy type 2J (LGMDR10). Also called: Limb-girdle muscular dystrophy, type 2J; MUSCULAR DYSTROPHY, LIMB-GIRDLE, AUTOSOMAL RECESSIVE 10. Identifiers: Orphanet 140922, MedGen C1837342, MONDO:0012127, OMIM 608807.
Dilated cardiomyopathy 1G (CMD1G). Identifiers: Orphanet 154, MedGen C1858763, MONDO:0011400, OMIM 604145.

Submissions (3):

Labcorp Genetics (formerly Invitae), Labcorp
Classification: Likely pathogenic for Dilated cardiomyopathy 1G; Autosomal recessive limb-girdle muscular dystrophy type 2J. Last evaluated: 2024-04-29. Review status: criteria provided, single submitter. Criteria: Invitae Variant Classification Sherloc (09022015). Collection method: clinical testing. Allele origin: germline.
Comment: This sequence change creates a premature translational stop signal (p.Ser14895Alafs*41) in the TTN gene. While this is not anticipated to result in nonsense mediated decay, it is expected to create a truncated TTN protein. This variant is not present in population databases (gnomAD no frequency). This variant has not been reported in the literature in individuals affected with TTN-related conditions. ClinVar contains an entry for this variant (Variation ID: 289784). This variant is located in the I band of TTN (PMID: 25589632). Truncating variants in this region have been reported in individuals affected with autosomal recessive centronuclear myopathy (PMID: 23975875, Invitae internal data). Truncating variants in this region have also been identified in individuals affected with autosomal dominant dilated cardiomyopathy and/or cardio-related conditions (PMID: 27869827, 32964742, Invitae internal data). In summary, the currently available evidence indicates that the variant is pathogenic, but additional data are needed to prove that conclusively. Therefore, this variant has been classified as Likely Pathogenic.

Revvity Omics, Revvity
Classification: Uncertain significance. Last evaluated: 2022-10-14. Review status: criteria provided, single submitter. Criteria: ACMG Guidelines, 2015. Collection method: clinical testing. Allele origin: germline.

Eurofins Ntd Llc (ga)
Classification: Uncertain significance. Last evaluated: 2016-08-31. Review status: criteria provided, single submitter. Criteria: EGL Classification Definitions 2015. Collection method: clinical testing. Allele origin: germline. Observed: 1 variant allele.

Literature cited by the submitters: PubMed 25589632 (cited by Labcorp Genetics (formerly Invitae), Labcorp); PubMed 23975875 (cited by Labcorp Genetics (formerly Invitae), Labcorp); PubMed 27869827 (cited by Labcorp Genetics (formerly Invitae), Labcorp); PubMed 32964742 (cited by Labcorp Genetics (formerly Invitae), Labcorp).

NM_001267550.2(TTN):c.44683del (p.Ser14895fs)

Gene: TTN (titin; minus strand). Cytogenetic location: 2q31.2.
Variant type: Deletion.
Coding change: c.44683del on transcript NM_001267550.2 (MANE Select); coding-DNA position 44683, one base deleted (A; older notation c.44683delA).
Protein change: p.Ser14895fs; shifts the reading frame from serine 14895.
Molecular consequence: frameshift variant.
Genome position (GRCh38, 1-based): chr2:178,624,597, T deleted on the plus strand (A on the coding strand, the reverse complement: TTN is on the minus strand); the first of 4 consecutive T bases (chr2:178,624,597-178,624,600); deleting any one gives the same sequence. VCF-style (leftmost placement, unchanged base first): chr2-178624596-CT-C. GRCh37 (hg19) VCF-style: chr2-179489323-CT-C.
Other names: c.39760del, p.Ser13254fs (NM_001256850.1); c.17488del, p.Ser5830fs (NM_003319.4); c.36979del, p.Ser12327fs (NM_133378.4); c.17863del, p.Ser5955fs (NM_133432.3); c.18064del, p.Ser6022fs (NM_133437.4); short protein forms S6022fs, S14895fs, S5830fs, S5955fs, S12327fs, S13254fs.
Identifiers: ClinVar variation 289784 (VCV000289784.13), dbSNP rs886044263, ClinGen allele CA10606547.